The following is an entry in ClinVar:

ClinVar aggregate classification (germline): Uncertain significance (1 of 4 stars; one submission).

Submission:

GeneDx
Classification: Uncertain significance. Last evaluated: 2025-04-17. Review status: criteria provided, single submitter. Criteria: GeneDx Variant Classification Process June 2021. Collection method: clinical testing. Allele origin: germline. Affected: yes.
Comment: Not observed at significant frequency in large population cohorts (gnomAD); In silico analysis indicates that this missense variant does not alter protein structure/function; Has not been previously published as pathogenic or benign to our knowledge

NM_015057.5(MYCBP2):c.8583G>T (p.Lys2861Asn)

Gene: MYCBP2 (MYC binding protein 2; minus strand). Cytogenetic location: 13q22.3.
Variant type: single nucleotide variant.
Coding change: c.8583G>T on transcript NM_015057.5 (MANE Select); coding-DNA position 8583, G replaced by T.
Protein change: p.Lys2861Asn; replaces lysine 2861 with asparagine.
Molecular consequence: missense variant.
Genome position (GRCh38, 1-based): chr13:77,098,571, C>A on the plus strand (G>T on the coding strand, the complement: MYCBP2 is on the minus strand). VCF-style: chr13-77098571-C-A. GRCh37 (hg19) VCF-style: chr13-77672706-C-A.
Other names: short protein forms K2861N.
Identifiers: ClinVar variation 4282310 (VCV004282310.1).